The following is an entry in ClinVar:

ClinVar aggregate classification (germline): Uncertain significance (1 of 4 stars; one submission).

Conditions:
Progressive microcephaly-seizures-cortical blindness-developmental delay syndrome. Also called: Seizures, cortical blindness, and microcephaly syndrome. Identifiers: Orphanet 477814, MedGen C5567650, MONDO:0014714, OMIM 616632.
Autosomal dominant nonsyndromic hearing loss 1. Also called: DEAFNESS, AUTOSOMAL DOMINANT 1, WITH OR WITHOUT THROMBOCYTOPENIA; KONIGSMARK SYNDROME. Identifiers: Orphanet 90635, MedGen C1852282, MONDO:0007424, OMIM 124900.

Submission:

Labcorp Genetics (formerly Invitae), Labcorp
Classification: Uncertain significance for Progressive microcephaly-seizures-cortical blindness-developmental delay syndrome; Autosomal dominant nonsyndromic hearing loss 1. Last evaluated: 2021-07-09. Review status: criteria provided, single submitter. Criteria: Invitae Variant Classification Sherloc (09022015). Collection method: clinical testing. Allele origin: germline.
Comment: This sequence change replaces arginine with glycine at codon 1155 of the DIAPH1 protein (p.Arg1155Gly). The arginine residue is highly conserved and there is a moderate physicochemical difference between arginine and glycine. This variant is not present in population databases (ExAC no frequency). This variant has not been reported in the literature in individuals with DIAPH1-related conditions. Algorithms developed to predict the effect of missense changes on protein structure and function are either unavailable or do not agree on the potential impact of this missense change (SIFT: "Tolerated"; PolyPhen-2: "Probably Damaging"; Align-GVGD: "Class C15"). In summary, the available evidence is currently insufficient to determine the role of this variant in disease. Therefore, it has been classified as a Variant of Uncertain Significance.

NM_005219.5(DIAPH1):c.3463C>G (p.Arg1155Gly)

Gene: DIAPH1 (diaphanous related formin 1; minus strand). Cytogenetic location: 5q31.3.
Variant type: single nucleotide variant.
Coding change: c.3463C>G on transcript NM_005219.5 (MANE Select); coding-DNA position 3463, C replaced by G.
Protein change: p.Arg1155Gly; replaces arginine 1155 with glycine.
Molecular consequence: missense variant.
Genome position (GRCh38, 1-based): chr5:141,526,149, G>C on the plus strand (C>G on the coding strand, the complement: DIAPH1 is on the minus strand). VCF-style: chr5-141526149-G-C. GRCh37 (hg19) VCF-style: chr5-140905716-G-C.
Other names: c.3436C>G, p.Arg1146Gly (NM_001079812.3); c.3463C>G, p.Arg1155Gly (NM_001314007.2); short protein forms R1155G, R1146G.
Identifiers: ClinVar variation 1463288 (VCV001463288.8), dbSNP rs369467830, ClinGen allele CA361577629.